The following is an entry in ClinVar:

NM_020458.4(TTC7A):c.563G>A (p.Arg188His)

Genes: TTC7A (tetratricopeptide repeat domain 7A; plus strand), LOC126806211 (CDK7 strongly-dependent group 2 enhancer GRCh37_chr2:47201305-47202504; plus strand). Cytogenetic location: 2p21.
Variant type: single nucleotide variant.
Coding change: c.563G>A on transcript NM_020458.4 (MANE Select); coding-DNA position 563, G replaced by A.
Protein change: p.Arg188His; replaces arginine 188 with histidine.
Molecular consequence: missense variant. On other transcripts: 5 prime UTR variant (1).
Genome position (GRCh38, 1-based): chr2:46,975,018, G>A. VCF-style: chr2-46975018-G-A. GRCh37 (hg19) VCF-style: chr2-47202157-G-A.
Other names: p.Arg188His; c.563G>A, p.Arg188His (NM_001288951.2, LRG_1323t1); c.461G>A, p.Arg154His (NM_001288953.2); c.-342G>A (NM_001288955.2); short protein forms R154H, R188H.
Identifiers: ClinVar variation 568754 (VCV000568754.54), dbSNP rs147471840, ClinGen allele CA1647257.
Genomic context (GRCh38, chr2:46,975,018, plus strand): 5'-CTCTTCCTCCCGCAGGCCTCTCTCTGGAACGCCTACCCAACTCCATCGCCTCCCGCTTCC[G>A]CCTGACAGAGAGGGAGGAGGAAGTGATCACCTGTTTTGAGAGGGCCTCCTGGATCGCTCA-3'
Protein context (NP_065191.2, residues 178-198): RLPNSIASRF[Arg188His]LTEREEEVIT

ClinVar aggregate classification (germline): Conflicting classifications of pathogenicity. Review status: criteria provided, conflicting classifications (1 of 4 stars). 7 submissions from 7 submitters: Uncertain significance (1); Likely benign (4). 2 of the submissions do not count toward it. Last evaluated 2026-07-01.

Conditions:
Gastrointestinal defects and immunodeficiency syndrome 1 (GIDID1). Also called: Combined immunodeficiency-enteropathy spectrum. Identifiers: Orphanet 436252, MedGen C5968858, MONDO:0800030, OMIM 243150.
Multiple gastrointestinal atresias. Also called: Multiple intestinal atresia; FAMILIAL INTESTINAL POLYATRESIA SYNDROME. Identifiers: Orphanet 2300, MedGen C0220744, MONDO:0009465.

Allele frequency attached by ClinVar (database versions not stated): 1000 Genomes Project 30x 0.00031; 1000 Genomes Project 0.00040; TOPMed 0.00076; ESP Exome Variant Server 0.00077.

Submissions (7):

CeGaT Center for Human Genetics Tuebingen
Classification: Likely benign. Last evaluated: 2026-07-01. Review status: criteria provided, single submitter. Criteria: CeGaT Center For Human Genetics Tuebingen Variant Classification Criteria Version 2. Collection method: clinical testing. Allele origin: germline. Affected: yes. Observed: 5 variant alleles.
Comment: TTC7A: BP4, BS2

Labcorp Genetics (formerly Invitae), Labcorp
Classification: Likely benign for Multiple gastrointestinal atresias. Last evaluated: 2026-01-27. Review status: criteria provided, single submitter. Criteria: Invitae Variant Classification Sherloc (09022015). Collection method: clinical testing. Allele origin: germline.

Mayo Clinic Laboratories, Mayo Clinic
Classification: Likely benign. Last evaluated: 2025-11-10. Review status: criteria provided, single submitter. Criteria: ACMG Guidelines, 2015. Collection method: clinical testing. Allele origin: germline. Observed: 2 variant alleles.
Comment: BS1, BP4

Blueprint Genetics
Classification: Likely benign. Last evaluated: 2024-11-01. Review status: criteria provided, single submitter. Criteria: ACMG Guidelines, 2015. Collection method: clinical testing. Allele origin: germline.

Victorian Clinical Genetics Services, Murdoch Childrens Research Institute
Classification: Uncertain significance for Gastrointestinal defects and immunodeficiency syndrome 1. Last evaluated: 2020-10-19. Review status: criteria provided, single submitter. Criteria: ACMG Guidelines, 2015. Collection method: clinical testing. Allele origin: germline. Inheritance: Autosomal recessive inheritance.
Comment: Based on the classification scheme VCGS_Germline_v1.3.3, this variant is classified as 3C-VUS. Following criteria are met: 0102 - Loss of function is a known mechanism of disease in this gene and is associated with gastrointestinal defects and immunodeficiency syndrome. (I) 0106 - This gene is associated with autosomal recessive disease. (I) 0200 - Variant is predicted to result in a missense amino acid change from arginine to histidine. (I) 0251 - This variant is heterozygous. (I) 0304 - Variant is present in gnomAD <0.01 for a recessive condition (219 heterozygotes, 1 homozygote). (SP) 0309 - Alternative amino acid changes at the same position have been observed in gnomAD (v2 and v3) (highest allele count: p.(R188L), 728 heterozygotes, 8 homozygotes). (I) 0502 - Missense variant with conflicting in silico predictions and uninformative conservation. (I) 0604 - Variant is not located in an established domain, motif, hotspot or informative constraint region. (I) 0709 - Another missense variant comparable to the one identified in this case has previous evidence for being benign. The p.(R188L) variant has been reported as likely benign and benign in ClinVar and as a candidate variant of unknown significance in a patient with indeterminate colitis (PMID:28930861). (SB) 0808 - Previous reports of pathogenicity for this variant are conflicting. This variant has been reported as a VUS in ClinVar and LB in the Global Variome shared LOVD. (I) 0905 - No published segregation evidence has been identified for this variant. (I) 1007 - No published functional evidence has been identified for this variant. (I) 1208 - Inheritance information for this variant is not currently available in this individual. (I) Legend: (SP) - Supporting pathogenic, (I) - Information, (SB) - Supporting benign

Clinical Genetics DNA and cytogenetics Diagnostics Lab, Erasmus MC, Erasmus Medical Center
Classification: Likely benign. Review status: no assertion criteria provided. Collection method: clinical testing. Allele origin: germline. Affected: yes. Study: VKGL Data-share Consensus. Not counted in ClinVar's aggregate classification.

Laboratory of Diagnostic Genome Analysis, Leiden University Medical Center (LUMC)
Classification: Likely benign. Review status: no assertion criteria provided. Collection method: clinical testing. Allele origin: germline. Affected: yes. Study: VKGL Data-share Consensus. Not counted in ClinVar's aggregate classification.

Literature cited by the submitters: PubMed 28930861 (cited by Mayo Clinic Laboratories, Mayo Clinic and Victorian Clinical Genetics Services, Murdoch Childrens Research Institute); PubMed 35960392 (cited by Mayo Clinic Laboratories, Mayo Clinic).